The following is an entry in ClinVar:

ClinVar aggregate classification (germline): Uncertain significance (1 of 4 stars; one submission).

Allele frequency attached by ClinVar (database versions not stated): TOPMed below 0.00001; gnomAD 0.00001; gnomAD exomes 0.00001; ExAC 0.00002.
gnomAD v4.1: 11 of 1,614,094 alleles (0.00068%); highest among the groups gnomAD compares: Non-Finnish European, 0.00085%; no homozygotes.

Submission:

Labcorp Genetics (formerly Invitae), Labcorp
Classification: Uncertain significance. Last evaluated: 2023-12-19. Review status: criteria provided, single submitter. Criteria: Invitae Variant Classification Sherloc (09022015). Collection method: clinical testing. Allele origin: germline.
Comment: This sequence change replaces threonine, which is neutral and polar, with alanine, which is neutral and non-polar, at codon 673 of the KCNQ5 protein (p.Thr673Ala). This variant is present in population databases (rs754208804, gnomAD 0.004%). This variant has not been reported in the literature in individuals affected with KCNQ5-related conditions. Advanced modeling of protein sequence and biophysical properties (such as structural, functional, and spatial information, amino acid conservation, physicochemical variation, residue mobility, and thermodynamic stability) performed at Invitae indicates that this missense variant is expected to disrupt KCNQ5 protein function with a positive predictive value of 95%. In summary, the available evidence is currently insufficient to determine the role of this variant in disease. Therefore, it has been classified as a Variant of Uncertain Significance.

NM_019842.4(KCNQ5):c.1960A>G (p.Thr654Ala)

Gene: KCNQ5 (potassium voltage-gated channel subfamily Q member 5; plus strand). Cytogenetic location: 6q13.
Variant type: single nucleotide variant.
Coding change: c.1960A>G on transcript NM_019842.4 (MANE Select); coding-DNA position 1960, A replaced by G.
Protein change: p.Thr654Ala; replaces threonine 654 with alanine.
Molecular consequence: missense variant.
Genome position (GRCh38, 1-based): chr6:73,194,575, A>G. VCF-style: chr6-73194575-A-G. GRCh37 (hg19) VCF-style: chr6-73904298-A-G.
Other names: c.1933A>G, p.Thr645Ala (NM_001160130.2); c.1990A>G, p.Thr664Ala (NM_001160132.2); c.2017A>G, p.Thr673Ala (NM_001160133.2); c.1630A>G, p.Thr544Ala (NM_001160134.2); short protein forms T654A, T544A, T645A, T664A, T673A.
Identifiers: ClinVar variation 3019147 (VCV003019147.3), dbSNP rs754208804, ClinGen allele CA3887177.
Genomic context (GRCh38, chr6:73,194,575, plus strand): 5'-GGCTCTGCCTCAGCCCTCGCTTTGGCTTCATTCCAGATCCCACCTTTTGAATGTGAACAG[A>G]CATCTGACTATCAAAGCCCTGTGGATAGCAAAGATCTTTCGGGTTCCGCACAAAACAGTG-3'
Protein context (NP_062816.2, residues 644-664): FQIPPFECEQ[Thr654Ala]SDYQSPVDSK